The following is an entry in ClinVar:

ClinVar aggregate classification (germline): Uncertain significance (1 of 4 stars; one submission).

Conditions:
Cardiovascular phenotype. Identifiers: MedGen CN230736.

Submission:

Ambry Genetics
Classification: Uncertain significance for Cardiovascular phenotype. Last evaluated: 2025-12-11. Review status: criteria provided, single submitter. Criteria: Ambry Variant Classification Scheme 2023. Collection method: clinical testing. Allele origin: germline.
Comment: The p.P602L variant (also known as c.1805C>T), located in coding exon 31 of the COL1A2 gene, results from a C to T substitution at nucleotide position 1805. The proline at codon 602 is replaced by leucine, an amino acid with similar properties. This amino acid position is conserved. In addition, this alteration is predicted to be deleterious by in silico analysis. Based on the available evidence, the clinical significance of this variant remains unclear.

NM_000089.4(COL1A2):c.1805C>T (p.Pro602Leu)

Gene: COL1A2 (collagen type I alpha 2 chain; plus strand). Cytogenetic location: 7q21.3.
Variant type: single nucleotide variant.
Coding change: c.1805C>T on transcript NM_000089.4 (MANE Select); coding-DNA position 1805, C replaced by T.
Protein change: p.Pro602Leu; replaces proline 602 with leucine.
Molecular consequence: missense variant.
Genome position (GRCh38, 1-based): chr7:94,416,445, C>T. VCF-style: chr7-94416445-C-T. GRCh37 (hg19) VCF-style: chr7-94045757-C-T.
Other names: short protein forms P602L.
Identifiers: ClinVar variation 4613936 (VCV004613936.1).